The following is an entry in ClinVar:

ClinVar aggregate classification (germline): Benign (0 of 4 stars; one submission).

Conditions:
SMURF2-related disorder. Also called: SMURF2-related condition.

Allele frequency attached by ClinVar (database versions not stated): TOPMed 0.00034; ESP Exome Variant Server 0.00038; 1000 Genomes Project 30x 0.00109; gnomAD 0.00126; 1000 Genomes Project 0.00140; ExAC 0.00150.
gnomAD v4.1: 1,563 of 1,614,116 alleles (0.097%); highest among the groups gnomAD compares: East Asian, 1.1%; 7 homozygotes.

Submission:

PreventionGenetics, part of Exact Sciences
Classification: Benign for SMURF2-related condition. Last evaluated: 2019-03-01. Review status: no assertion criteria provided. Collection method: clinical testing. Allele origin: germline.
Comment: This variant is classified as benign based on ACMG/AMP sequence variant interpretation guidelines (Richards et al. 2015 PMID: 25741868, with internal and published modifications).

NM_022739.4(SMURF2):c.624G>A (p.Glu208=)

Gene: SMURF2 (SMAD specific E3 ubiquitin protein ligase 2; minus strand). Cytogenetic location: 17q23.3.
Variant type: single nucleotide variant.
Coding change: c.624G>A on transcript NM_022739.4 (MANE Select); coding-DNA position 624, G replaced by A.
Protein change: p.Glu208=; no amino-acid change (glutamic acid 208 retained).
Molecular consequence: synonymous variant.
Genome position (GRCh38, 1-based): chr17:64,580,937, C>T on the plus strand (G>A on the coding strand, the complement: SMURF2 is on the minus strand). VCF-style: chr17-64580937-C-T. GRCh37 (hg19) VCF-style: chr17-62577055-C-T.
Identifiers: ClinVar variation 3046424 (VCV003046424.2), dbSNP rs144568802, ClinGen allele CA8715072.